The following is an entry in ClinVar:

ClinVar aggregate classification (germline): Likely benign (1 of 4 stars; one submission).

gnomAD v4.1: 9 of 1,613,820 alleles (0.00056%); highest among the groups gnomAD compares: Admixed American, 0.013%; no homozygotes.

Submission:

CeGaT Center for Human Genetics Tuebingen
Classification: Likely benign. Last evaluated: 2026-02-01. Review status: criteria provided, single submitter. Criteria: CeGaT Center For Human Genetics Tuebingen Variant Classification Criteria Version 2. Collection method: clinical testing. Allele origin: germline. Affected: yes. Observed: 1 variant allele.
Comment: RFX7: BP4

NM_022841.7(RFX7):c.2401G>C (p.Asp801His)

Gene: RFX7 (regulatory factor X7; minus strand). Cytogenetic location: 15q21.3.
Variant type: single nucleotide variant.
Coding change: c.2401G>C on transcript NM_022841.7 (MANE Select); coding-DNA position 2401, G replaced by C.
Protein change: p.Asp801His; replaces aspartic acid 801 with histidine.
Molecular consequence: missense variant.
Genome position (GRCh38, 1-based): chr15:56,095,327, C>G on the plus strand (G>C on the coding strand, the complement: RFX7 is on the minus strand). VCF-style: chr15-56095327-C-G. GRCh37 (hg19) VCF-style: chr15-56387525-C-G.
Other names: c.2110G>C, p.Asp704His (NM_001368073.2, NM_001368074.1, NM_001370554.1); c.2401G>C, p.Asp801His (NM_001370561.1); short protein forms D704H, D801H.
Identifiers: ClinVar variation 4823292 (VCV004823292.4).
Genomic context (GRCh38, chr15:56,095,327, plus strand): 5'-AAACAGATTTCTCTAAGTCATTGATATCAGAGTGCTCAGGAATTGTCATAACACTGATAT[C>G]TTGCTGTTGTTCACAACTGGCAGATATAAACTCAGAATCTTTAGTGATTTGTTGCCATCC-3'
Protein context (NP_073752.6, residues 791-811): FISASCEQQQ[Asp801His]ISVMTIPEHS